The following is an entry in ClinVar:

ClinVar aggregate classification (germline): Uncertain significance. Review status: criteria provided, multiple submitters, no conflicts (2 of 4 stars). 2 submissions from 2 submitters: Uncertain significance (2). Last evaluated 2025-09-02.

Allele frequency attached by ClinVar (database versions not stated): gnomAD 0.00001; gnomAD exomes 0.00001 and 0.00003; TOPMed 0.00001; ExAC 0.00007.

Submissions (2):

Labcorp Genetics (formerly Invitae), Labcorp
Classification: Uncertain significance. Last evaluated: 2025-09-02. Review status: criteria provided, single submitter. Criteria: Invitae Variant Classification Sherloc (09022015). Collection method: clinical testing. Allele origin: germline.
Comment: This sequence change replaces arginine, which is basic and polar, with glutamine, which is neutral and polar, at codon 481 of the GPR179 protein (p.Arg481Gln). This variant is present in population databases (rs749359646, gnomAD 0.01%). This variant has not been reported in the literature in individuals affected with GPR179-related conditions. ClinVar contains an entry for this variant (Variation ID: 1501066). An algorithm developed to predict the effect of missense changes on protein structure and function (PolyPhen-2) suggests that this variant is likely to be disruptive. In summary, the available evidence is currently insufficient to determine the role of this variant in disease. Therefore, it has been classified as a Variant of Uncertain Significance.

Blueprint Genetics
Classification: Uncertain significance. Last evaluated: 2023-03-03. Review status: criteria provided, single submitter. Criteria: ACMG Guidelines, 2015. Collection method: clinical testing. Allele origin: germline.

NM_001004334.4(GPR179):c.1442G>A (p.Arg481Gln)

Gene: GPR179 (G protein-coupled receptor 179; minus strand). Cytogenetic location: 17q12.
Variant type: single nucleotide variant.
Coding change: c.1442G>A on transcript NM_001004334.4 (MANE Select); coding-DNA position 1442, G replaced by A.
Protein change: p.Arg481Gln; replaces arginine 481 with glutamine.
Molecular consequence: missense variant.
Genome position (GRCh38, 1-based): chr17:38,335,236, C>T on the plus strand (G>A on the coding strand, the complement: GPR179 is on the minus strand). VCF-style: chr17-38335236-C-T. GRCh37 (hg19) VCF-style: chr17-36491119-C-T.
Other names: short protein forms R481Q.
Identifiers: ClinVar variation 1501066 (VCV001501066.7), dbSNP rs749359646, ClinGen allele CA290108713.